The following is an entry in ClinVar:

ClinVar aggregate classification (germline): Likely benign. Review status: criteria provided, single submitter (1 of 4 stars). 2 submissions from 2 submitters: Likely benign (1). 1 of the submissions does not count toward it. Last evaluated 2024-10-07.

Conditions:
OXCT1-related disorder. Also called: OXCT1-related condition.
Succinyl-CoA acetoacetate transferase deficiency (SCOTD). Also called: KETOACIDOSIS DUE TO SCOT DEFICIENCY; SCOT DEFICIENCY; SUCCINYL-CoA:3-KETOACID CoA-TRANSFERASE DEFICIENCY; Succinyl CoA:3-oxoacid CoA transferase deficiency; 3-Oxoacid CoA Transferase Deficiency. Identifiers: Orphanet 832, MedGen C0342792, MONDO:0009492, OMIM 245050.

Allele frequency attached by ClinVar (database versions not stated): gnomAD exomes 0.00006; gnomAD 0.00007 and 0.00008; TOPMed 0.00007; ExAC 0.00008; ESP Exome Variant Server 0.00008.
gnomAD v4.1: 175 of 1,606,390 alleles (0.011%); highest among the groups gnomAD compares: Middle Eastern, 0.017%; no homozygotes.

Submissions (2):

Labcorp Genetics (formerly Invitae), Labcorp
Classification: Likely benign for Succinyl-CoA acetoacetate transferase deficiency. Last evaluated: 2024-10-07. Review status: criteria provided, single submitter. Criteria: Invitae Variant Classification Sherloc (09022015). Collection method: clinical testing. Allele origin: germline.

PreventionGenetics, part of Exact Sciences
Classification: Likely benign for OXCT1-related condition. Last evaluated: 2019-06-02. Review status: no assertion criteria provided. Collection method: clinical testing. Allele origin: germline. Not counted in ClinVar's aggregate classification.
Comment: This variant is classified as likely benign based on ACMG/AMP sequence variant interpretation guidelines (Richards et al. 2015 PMID: 25741868, with internal and published modifications).

NM_000436.4(OXCT1):c.672-7C>T

Gene: OXCT1 (3-oxoacid CoA-transferase 1; minus strand). Cytogenetic location: 5p13.1.
Variant type: single nucleotide variant.
Coding change: c.672-7C>T on transcript NM_000436.4 (MANE Select); 7 bases into the intron before coding-DNA position 672, C replaced by T.
Molecular consequence: intron variant.
Genome position (GRCh38, 1-based): chr5:41,840,518, G>A on the plus strand (C>T on the coding strand, the complement: OXCT1 is on the minus strand). VCF-style: chr5-41840518-G-A. GRCh37 (hg19) VCF-style: chr5-41840620-G-A.
Other names: c.672-7C>T (NM_001364301.2, NM_001364302.2, NM_000436.3); c.693-7C>T (NM_001364299.2, NM_001364300.2); c.114-7C>T (NM_001364303.2).
Identifiers: ClinVar variation 1645483 (VCV001645483.10), dbSNP rs373008144, ClinGen allele CA3253518.